The following is an entry in ClinVar:

ClinVar aggregate classification (germline): Uncertain significance. Review status: criteria provided, multiple submitters, no conflicts (2 of 4 stars). 2 submissions from 2 submitters: Uncertain significance (2). Last evaluated 2024-12-20.

Conditions:
Primary ciliary dyskinesia. Also called: Ciliary dyskinesia. Identifiers: Orphanet 244, MedGen C0008780, MONDO:0016575, HP:0012265.

Allele frequency attached by ClinVar (database versions not stated): gnomAD 0.00002 and 0.00003; gnomAD exomes 0.00002 and 0.00005; ExAC 0.00003; TOPMed 0.00003.

Submissions (2):

Ambry Genetics
Classification: Uncertain significance. Last evaluated: 2024-12-20. Review status: criteria provided, single submitter. Criteria: Ambry Variant Classification Scheme 2023. Collection method: clinical testing. Allele origin: germline.

Labcorp Genetics (formerly Invitae), Labcorp
Classification: Uncertain significance for Primary ciliary dyskinesia. Last evaluated: 2021-08-31. Review status: criteria provided, single submitter. Criteria: Invitae Variant Classification Sherloc (09022015). Collection method: clinical testing. Allele origin: germline.
Comment: This sequence change replaces valine with methionine at codon 2086 of the DNAH8 protein (p.Val2086Met). The valine residue is highly conserved and there is a small physicochemical difference between valine and methionine. This variant is present in population databases (rs748005521, ExAC 0.009%). This variant has not been reported in the literature in individuals affected with DNAH8-related conditions. Algorithms developed to predict the effect of missense changes on protein structure and function are either unavailable or do not agree on the potential impact of this missense change (SIFT: "Deleterious"; PolyPhen-2: "Not Available"; Align-GVGD: "Class C0"). In summary, the available evidence is currently insufficient to determine the role of this variant in disease. Therefore, it has been classified as a Variant of Uncertain Significance.

NM_001206927.2(DNAH8):c.6256G>A (p.Val2086Met)

Gene: DNAH8 (dynein axonemal heavy chain 8; plus strand). Cytogenetic location: 6p21.2.
Variant type: single nucleotide variant.
Coding change: c.6256G>A on transcript NM_001206927.2 (MANE Select); coding-DNA position 6256, G replaced by A.
Protein change: p.Val2086Met; replaces valine 2086 with methionine.
Molecular consequence: missense variant.
Genome position (GRCh38, 1-based): chr6:38,862,404, G>A. VCF-style: chr6-38862404-G-A. GRCh37 (hg19) VCF-style: chr6-38830180-G-A.
Other names: c.5605G>A, p.Val1869Met (NM_001371.4); short protein forms V1869M, V2086M.
Identifiers: ClinVar variation 958446 (VCV000958446.8), dbSNP rs748005521, ClinGen allele CA3789609.